The following is an entry in ClinVar:

NM_021076.4(NEFH):c.2900A>G (p.Glu967Gly)

Gene: NEFH (neurofilament heavy chain; plus strand). Cytogenetic location: 22q12.2.
Variant type: single nucleotide variant.
Coding change: c.2900A>G on transcript NM_021076.4 (MANE Select); coding-DNA position 2900, A replaced by G.
Protein change: p.Glu967Gly; replaces glutamic acid 967 with glycine.
Molecular consequence: missense variant.
Genome position (GRCh38, 1-based): chr22:29,490,540, A>G. VCF-style: chr22-29490540-A-G. GRCh37 (hg19) VCF-style: chr22-29886529-A-G.
Other names: short protein forms E967G.
Identifiers: ClinVar variation 2086869 (VCV002086869.4), dbSNP rs2517979855, ClinGen allele CA411139083.

ClinVar aggregate classification (germline): Uncertain significance (1 of 4 stars; one submission).

Submission:

Labcorp Genetics (formerly Invitae), Labcorp
Classification: Uncertain significance. Last evaluated: 2022-03-27. Review status: criteria provided, single submitter. Criteria: Invitae Variant Classification Sherloc (09022015). Collection method: clinical testing. Allele origin: germline.
Comment: Advanced modeling of protein sequence and biophysical properties (such as structural, functional, and spatial information, amino acid conservation, physicochemical variation, residue mobility, and thermodynamic stability) performed at Invitae indicates that this missense variant is not expected to disrupt NEFH protein function. This variant has not been reported in the literature in individuals affected with NEFH-related conditions. This variant is not present in population databases (gnomAD no frequency). This sequence change replaces glutamic acid, which is acidic and polar, with glycine, which is neutral and non-polar, at codon 967 of the NEFH protein (p.Glu967Gly). In summary, the available evidence is currently insufficient to determine the role of this variant in disease. Therefore, it has been classified as a Variant of Uncertain Significance.